The following is an entry in ClinVar:

ClinVar aggregate classification (germline): Uncertain significance (1 of 4 stars; one submission).

gnomAD v4.1: 16 of 1,614,190 alleles (0.00099%); highest among the groups gnomAD compares: South Asian, 0.018%; no homozygotes.

Submission:

GeneDx
Classification: Uncertain significance. Last evaluated: 2025-02-08. Review status: criteria provided, single submitter. Criteria: GeneDx Variant Classification Process June 2021. Collection method: clinical testing. Allele origin: germline. Affected: yes.
Comment: In silico analysis supports that this missense variant has a deleterious effect on protein structure/function; Has not been previously published as pathogenic or benign to our knowledge

NM_000443.4(ABCB4):c.616T>A (p.Phe206Ile)

Gene: ABCB4 (ATP binding cassette subfamily B member 4; minus strand). Cytogenetic location: 7q21.12.
Variant type: single nucleotide variant.
Coding change: c.616T>A on transcript NM_000443.4 (MANE Select); coding-DNA position 616, T replaced by A.
Protein change: p.Phe206Ile; replaces phenylalanine 206 with isoleucine.
Molecular consequence: missense variant.
Genome position (GRCh38, 1-based): chr7:87,451,715, A>T on the plus strand (T>A on the coding strand, the complement: ABCB4 is on the minus strand). VCF-style: chr7-87451715-A-T. GRCh37 (hg19) VCF-style: chr7-87081031-A-T.
Other names: c.616T>A, p.Phe206Ile (NM_018849.3, NM_018850.3); short protein forms F206I.
Identifiers: ClinVar variation 4074317 (VCV004074317.1).
Genomic context (GRCh38, chr7:87,451,715, plus strand): 5'-TAGGGCTGATGGCCATTATCACAAGGGTGAGCTTCCATCCTCTGATGAATCCCACTATGA[A>T]TCCTGCAAAAAACGTGGCTACTGCTTGAAAGAACATTCCAACCTTGTCACCAATTCCTTC-3'
Protein context (NP_000434.1, residues 196-216): FQAVATFFAG[Phe206Ile]IVGFIRGWKL